The following is an entry in ClinVar:

NM_002184.4(IL6ST):c.1469A>G (p.Lys490Arg)

Gene: IL6ST (interleukin 6 cytokine family signal transducer; minus strand). Cytogenetic location: 5q11.2.
Variant type: single nucleotide variant.
Coding change: c.1469A>G on transcript NM_002184.4 (MANE Select); coding-DNA position 1469, A replaced by G.
Protein change: p.Lys490Arg; replaces lysine 490 with arginine.
Molecular consequence: missense variant. On other transcripts: 3 prime UTR variant (1), non-coding transcript variant (2), intron variant (1).
Genome position (GRCh38, 1-based): chr5:55,952,333, T>C on the plus strand (A>G on the coding strand, the complement: IL6ST is on the minus strand). VCF-style: chr5-55952333-T-C. GRCh37 (hg19) VCF-style: chr5-55248161-T-C.
Other names: c.1286A>G, p.Lys429Arg (NM_001190981.2); c.1259A>G, p.Lys420Arg (NM_001364276.2); c.602A>G, p.Lys201Arg (NM_001364277.2); c.566A>G, p.Lys189Arg (NM_001364278.2); c.473A>G, p.Lys158Arg (NM_001364279.2); c.*396A>G (NM_175767.3); c.1451-258A>G (NM_001364275.2); short protein forms K158R, K189R, K201R, K420R, K429R, K490R.
Identifiers: ClinVar variation 4804180 (VCV004804180.1).
Genomic context (GRCh38, chr5:55,952,333, plus strand): 5'-ATGGATTCAGGGCTTCCTGGTCCATCAGCATATACTGGAGTAACTGTTATCAAATAGCAT[T>C]TGCTCTCTGCTAAGTTCCCTAAAGCAAGAATAGCAGATTAAGCATGTTTTTCCATAATGA-3'
Protein context (NP_002175.2, residues 480-500): TYLRGNLAES[Lys490Arg]CYLITVTPVY

ClinVar aggregate classification (germline): Uncertain significance (1 of 4 stars; one submission).

gnomAD v4.1: 4 of 1,597,060 alleles (0.00025%); highest among the groups gnomAD compares: Admixed American, 0.0033%; no homozygotes.

Submission:

Labcorp Genetics (formerly Invitae), Labcorp
Classification: Uncertain significance. Last evaluated: 2025-12-24. Review status: criteria provided, single submitter. Criteria: Invitae Variant Classification Sherloc (09022015). Collection method: clinical testing. Allele origin: germline.
Comment: This sequence change replaces lysine, which is basic and polar, with arginine, which is basic and polar, at codon 490 of the IL6ST protein (p.Lys490Arg). This variant is present in population databases (rs781106277, gnomAD 0.009%). This variant has not been reported in the literature in individuals affected with IL6ST-related conditions. An algorithm developed to predict the effect of missense changes on protein structure and function (PolyPhen-2) suggests that this variant is likely to be tolerated. In summary, the available evidence is currently insufficient to determine the role of this variant in disease. Therefore, it has been classified as a Variant of Uncertain Significance.